The following is an entry in ClinVar:

NM_000937.5(POLR2A):c.5913A>G (p.Ter1971Trp)

Gene: POLR2A (RNA polymerase II subunit A; plus strand). Cytogenetic location: 17p13.1.
Variant type: single nucleotide variant.
Coding change: c.5913A>G on transcript NM_000937.5 (MANE Select); coding-DNA position 5913, A replaced by G.
Protein change: p.Ter1971Trp.
Molecular consequence: stop lost.
Genome position (GRCh38, 1-based): chr17:7,514,179, A>G. VCF-style: chr17-7514179-A-G. GRCh37 (hg19) VCF-style: chr17-7417496-A-G.
Identifiers: ClinVar variation 3343776 (VCV003343776.1).
Genomic context (GRCh38, chr17:7,514,179, plus strand): 5'-CCCCACCTACAGTCTCACAAGCCCGGCTATCAGCCCGGATGACAGTGACGAGGAGAACTG[A>G]GGGCACGTGGGGTGCGGCAGCGGGCTAGGGCCCAGGGCAGCTTGCCCGTGCTGCTGTGCA-3'

ClinVar aggregate classification (germline): Uncertain significance (1 of 4 stars; one submission).

Submission:

GeneDx
Classification: Uncertain significance. Last evaluated: 2023-05-19. Review status: criteria provided, single submitter. Criteria: GeneDx Variant Classification Process June 2021. Collection method: clinical testing. Allele origin: germline. Affected: yes.
Comment: Normal stop codon changed to a Trp codon, leading to the addition of 87 amino acids at the C-terminus; Not observed at significant frequency in large population cohorts (gnomAD); Has not been previously published as pathogenic or benign to our knowledge